The following is an entry in ClinVar:

NM_000286.3(PEX12):c.398T>C (p.Leu133Pro)

Gene: PEX12 (peroxisomal biogenesis factor 12; minus strand). Cytogenetic location: 17q12.
Variant type: single nucleotide variant.
Coding change: c.398T>C on transcript NM_000286.3 (MANE Select); coding-DNA position 398, T replaced by C.
Protein change: p.Leu133Pro; replaces leucine 133 with proline.
Molecular consequence: missense variant.
Genome position (GRCh38, 1-based): chr17:35,577,320, A>G on the plus strand (T>C on the coding strand, the complement: PEX12 is on the minus strand). VCF-style: chr17-35577320-A-G. GRCh37 (hg19) VCF-style: chr17-33904339-A-G.
Other names: short protein forms L133P.
Identifiers: ClinVar variation 2130365 (VCV002130365.4), dbSNP rs2072791648, ClinGen allele CA399138215.

ClinVar aggregate classification (germline): Uncertain significance (1 of 4 stars; one submission).

Conditions:
Peroxisome biogenesis disorder 3A (Zellweger). Also called: PEROXISOMAL BIOGENESIS DISORDER 3A (ZELLWEGER); Peroxisome biogenesis disorder 3A. Identifiers: Orphanet 912, MedGen C3553929, MONDO:0013927, OMIM 614859.

Submission:

Labcorp Genetics (formerly Invitae), Labcorp
Classification: Uncertain significance for Peroxisome biogenesis disorder 3A (Zellweger). Last evaluated: 2022-04-26. Review status: criteria provided, single submitter. Criteria: Invitae Variant Classification Sherloc (09022015). Collection method: clinical testing. Allele origin: germline.
Comment: In summary, the available evidence is currently insufficient to determine the role of this variant in disease. Therefore, it has been classified as a Variant of Uncertain Significance. Algorithms developed to predict the effect of missense changes on protein structure and function are either unavailable or do not agree on the potential impact of this missense change (SIFT: "Deleterious"; PolyPhen-2: "Probably Damaging"; Align-GVGD: "Class C0"). This variant has not been reported in the literature in individuals affected with PEX12-related conditions. This variant is not present in population databases (gnomAD no frequency). This sequence change replaces leucine, which is neutral and non-polar, with proline, which is neutral and non-polar, at codon 133 of the PEX12 protein (p.Leu133Pro).